The following is an entry in ClinVar:

ClinVar aggregate classification (germline): Uncertain significance (1 of 4 stars; one submission).

Conditions:
DOCK2 deficiency. Also called: Immunodeficiency 40. Identifiers: Orphanet 447737, MedGen C4225328, MONDO:0014637, OMIM 616433.

Submission:

Labcorp Genetics (formerly Invitae), Labcorp
Classification: Uncertain significance for DOCK2 deficiency. Last evaluated: 2022-07-19. Review status: criteria provided, single submitter. Criteria: Invitae Variant Classification Sherloc (09022015). Collection method: clinical testing. Allele origin: germline.
Comment: This sequence change falls in intron 3 of the DOCK2 gene. It does not directly change the encoded amino acid sequence of the DOCK2 protein. This variant is not present in population databases (gnomAD no frequency). In summary, the available evidence is currently insufficient to determine the role of this variant in disease. Therefore, it has been classified as a Variant of Uncertain Significance. Algorithms developed to predict the effect of sequence changes on RNA splicing suggest that this variant may disrupt the consensus splice site. ClinVar contains an entry for this variant (Variation ID: 1474060). This variant has not been reported in the literature in individuals affected with DOCK2-related conditions.

NM_004946.3(DOCK2):c.169-7C>A

Gene: DOCK2 (dedicator of cytokinesis 2; plus strand). Cytogenetic location: 5q35.1.
Variant type: single nucleotide variant.
Coding change: c.169-7C>A on transcript NM_004946.3 (MANE Select); 7 bases into the intron before coding-DNA position 169, C replaced by A.
Molecular consequence: intron variant.
Genome position (GRCh38, 1-based): chr5:169,670,535, C>A. VCF-style: chr5-169670535-C-A. GRCh37 (hg19) VCF-style: chr5-169097539-C-A.
Identifiers: ClinVar variation 1474060 (VCV001474060.8), dbSNP rs762180860, ClinGen allele CA2573139366.